The following is an entry in ClinVar:

ClinVar aggregate classification (germline): Pathogenic/Likely pathogenic. Review status: criteria provided, multiple submitters, no conflicts (2 of 4 stars). 6 submissions from 6 submitters: Pathogenic (5); Likely pathogenic (1). Last evaluated 2025-07-20.
ClinVar aggregate classification (oncogenicity): Likely oncogenic (1 of 4 stars; one submission).

Conditions:
Hereditary cancer-predisposing syndrome. Also called: Hereditary neoplastic syndrome; Hereditary Cancer Syndrome; Neoplastic Syndromes, Hereditary; Tumor predisposition. Identifiers: Orphanet 140162, MedGen C0027672, MeSH D009386, MONDO:0015356.
Familial adenomatous polyposis 1 (FAP1). Also called: FAMILIAL ADENOMATOUS POLYPOSIS 1, ATTENUATED; POLYPOSIS, ADENOMATOUS INTESTINAL. Identifiers: MedGen C2713442, MONDO:0021056, OMIM 175100. Disease mechanism: loss of function.
Desmoid tumor. Also called: Desmoid tumour; Aggressive fibromatosis. Identifiers: Orphanet 873, MedGen C0079218, MONDO:0007608, HP:6001034.
Neoplasm. Also called: tumor; Neoplasms; Neoplasm (disease). Identifiers: MedGen C0027651, MeSH D009369, MONDO:0005070, HP:0002664.

Submissions (7):

Center for Genomic Medicine, Rigshospitalet, Copenhagen University Hospital
Classification: Likely oncogenic for Neoplasm. Last evaluated: 2026-10-16. Review status: criteria provided, single submitter. Criteria: ClinGen/CGC/VICC Guidelines for Oncogenicity, 2022. Collection method: clinical testing. Allele origin: somatic. Affected: yes.

Labcorp Genetics (formerly Invitae), Labcorp
Classification: Pathogenic for Familial adenomatous polyposis 1. Last evaluated: 2025-07-20. Review status: criteria provided, single submitter. Criteria: Invitae Variant Classification Sherloc (09022015). Collection method: clinical testing. Allele origin: germline.
Comment: This sequence change creates a premature translational stop signal (p.Ala1492Cysfs*22) in the APC gene. While this is not anticipated to result in nonsense mediated decay, it is expected to disrupt the last 1352 amino acid(s) of the APC protein. This variant is not present in population databases (gnomAD no frequency). This variant has not been reported in the literature in individuals affected with APC-related conditions. ClinVar contains an entry for this variant (Variation ID: 92347). This variant is expected to disrupt the EB1 and HDLG binding sites, which mediate interactions with the cytoskeleton (PMID: 15311282, 17293347). While functional studies have not been performed to directly test the effect on APC protein function, this suggests that disruption of the C-terminal portion of the protein is functionally important. A different truncation (p.Tyr2645Lysfs*14) that lies downstream of this variant has been determined to be pathogenic (PMID: 9824584, 1316610, 27081525, 8381579, 22135120, internal data). This suggests that deletion of this region of the APC protein is causative of disease. For these reasons, this variant has been classified as Pathogenic.

GeneDx
Classification: Pathogenic. Last evaluated: 2025-06-23. Review status: criteria provided, single submitter. Criteria: GeneDx Variant Classification Process June 2021. Collection method: clinical testing. Allele origin: germline. Affected: yes.
Comment: Frameshift variant predicted to result in protein truncation in a gene for which loss of function is a known mechanism of disease; Not observed at significant frequency in large population cohorts (gnomAD); Observed in an individual with desmoid tumor (PMID: 34301788); This variant is associated with the following publications: (PMID: 34301788, Tsukanov2017[CaseReport], 17293347)

Ambry Genetics
Classification: Likely pathogenic for Hereditary cancer-predisposing syndrome. Last evaluated: 2024-09-03. Review status: criteria provided, single submitter. Criteria: Ambry Variant Classification Scheme 2023. Collection method: clinical testing. Allele origin: germline.
Comment: The c.4473dupT variant, located in coding exon 15 of the APC gene, results from a duplication of T at nucleotide position 4473, causing a translational frameshift with a predicted alternate stop codon (p.A1492Cfs*22). This alteration occurs at the 3' terminus of theAPC gene, is not expected to trigger nonsense-mediated mRNA decay, and impacts the last 48% of the protein. However, premature stop codons are typically deleterious in nature and a significant portion of the protein is affected (Ambry internal data). This variant has been observed in at least one individual with a personal and/or family history that is consistent with APC-associated polyposis conditions (Ambry internal data). This variant is considered to be rare based on population cohorts in the Genome Aggregation Database (gnomAD). Based on the majority of available evidence to date, this variant is likely to be pathogenic.

Myriad Genetics, Inc.
Classification: Pathogenic for Familial adenomatous polyposis 1. Last evaluated: 2023-04-04. Review status: criteria provided, single submitter. Criteria: Myriad Autosomal Dominant, Autosomal Recessive and X-Linked Classification Criteria (2023). Collection method: clinical testing. Allele origin: unknown.
Comment: This variant is considered pathogenic. This variant creates a frameshift predicted to result in premature protein truncation.

St. Jude Molecular Pathology, St. Jude Children's Research Hospital
Classification: Pathogenic for Desmoid tumors. Last evaluated: 2016-05-16. Review status: criteria provided, single submitter. Criteria: ACMG Guidelines, 2015. Collection method: clinical testing. Allele origin: germline. Affected: yes.
Comment: This is a duplication of coding position 4473 (insertion of a T) and is predicted to change an Alanine to a Cysteine at codon 1492, shift the reading frame and result in a premature stop codon 22 amino acids downstream

Eurofins Ntd Llc (ga)
Classification: Pathogenic. Last evaluated: 2013-06-25. Review status: criteria provided, single submitter. Criteria: EGL Classification Definitions. Collection method: clinical testing. Allele origin: germline. Observed: 2 variant alleles, 2 heterozygotes.
Comment: Frameshift: Variant is of a type predicted to cause disease.

Literature cited by the submitters: PubMed 15311282 (cited by Labcorp Genetics (formerly Invitae), Labcorp); PubMed 17293347 (cited by Labcorp Genetics (formerly Invitae), Labcorp); PubMed 9824584 (cited by Labcorp Genetics (formerly Invitae), Labcorp); PubMed 1316610 (cited by Labcorp Genetics (formerly Invitae), Labcorp); PubMed 27081525 (cited by Labcorp Genetics (formerly Invitae), Labcorp); PubMed 8381579 (cited by Labcorp Genetics (formerly Invitae), Labcorp); PubMed 22135120 (cited by Labcorp Genetics (formerly Invitae), Labcorp); PubMed 23757202 (cited by Eurofins Ntd Llc (ga)).

NM_000038.6(APC):c.4473dup (p.Ala1492fs)

Gene: APC (APC regulator of Wnt signaling pathway; plus strand). Cytogenetic location: 5q22.2.
Variant type: Duplication.
Coding change: c.4473dup on transcript NM_000038.6 (MANE Select); coding-DNA position 4473, one base duplicated (T; older notation c.4473dupT).
Protein change: p.Ala1492fs; shifts the reading frame from alanine 1492.
Molecular consequence: frameshift variant.
Genome position (GRCh38, 1-based): chr5:112,840,067, T duplicated; the last of 4 consecutive T bases (chr5:112,840,064-112,840,067); duplicating any one gives the same sequence. VCF-style (leftmost placement, unchanged base first): chr5-112840063-A-AT. GRCh37 (hg19) VCF-style: chr5-112175760-A-AT.
Other names: c.4473dup, p.Ala1492fs (NM_001127510.3, NM_001354895.2); c.4419dup, p.Ala1474fs (NM_001127511.3); c.4527dup, p.Ala1510fs (NM_001354896.2); c.4503dup, p.Ala1502fs (NM_001354897.2); c.4398dup, p.Ala1467fs (NM_001354898.2); c.4389dup, p.Ala1464fs (NM_001354899.2); c.4350dup, p.Ala1451fs (NM_001354900.2); c.4296dup, p.Ala1433fs (NM_001354901.2); and 6 more; short protein forms A1209fs, A1451fs, A1492fs, A1332fs, A1366fs, A1391fs, A1433fs, A1464fs.
Identifiers: ClinVar variation 92347 (VCV000092347.18), dbSNP rs398123122, ClinGen allele CA009567.
Genomic context (GRCh38, chr5:112,840,063, plus strand): 5'-CTGCAGTAAATGCTGCAGTTCAGAGGGTCCAGGTTCTTCCAGATGCTGATACTTTATTAC[A>AT]TTTTGCCACGGAAAGTACTCCAGATGGATTTTCTTGTTCATCCAGCCTGAGTGCTCTGAG-3'